The following is an entry in ClinVar:

ClinVar aggregate classification (germline): Likely pathogenic. Review status: criteria provided, single submitter (1 of 4 stars). 2 submissions from 2 submitters: Likely pathogenic (1). 1 of the submissions does not count toward it. Last evaluated 2025-12-17.

Conditions:
Cardiovascular phenotype. Identifiers: MedGen CN230736.
Familial long QT syndrome (RWS). Also called: Congenital long QT syndrome; Romano-Ward syndrome; VENTRICULAR FIBRILLATION WITH PROLONGED QT INTERVAL. Identifiers: Orphanet 768, MedGen C1141890, MONDO:0019171.

Submissions (2):

Ambry Genetics
Classification: Likely pathogenic for Cardiovascular phenotype. Last evaluated: 2025-12-17. Review status: criteria provided, single submitter. Criteria: Ambry Variant Classification Scheme 2023. Collection method: clinical testing. Allele origin: germline.
Comment: The p.G306V variant (also known as c.917G>T), located in coding exon 6 of the KCNQ1 gene, results from a G to T substitution at nucleotide position 917. The glycine at codon 306 is replaced by valine, an amino acid with dissimilar properties. This variant was identified in one or more individuals with features consistent with long QT syndrome and segregated with disease in at least one family (Liu W et al. Hum Mutat, 2002 Dec;20:475-6; Ambry internal data). This variant is considered to be rare based on population cohorts in the Genome Aggregation Database (gnomAD). This amino acid position is highly conserved in available vertebrate species. In addition, this alteration is predicted to be deleterious by in silico analysis. Based on the majority of available evidence to date, this variant is likely to be pathogenic.

Cardiovascular Biomedical Research Unit, Royal Brompton & Harefield NHS Foundation Trust
No classification provided. Condition: Familial long QT syndrome. Review status: no classification provided. Collection method: literature only. Allele origin: germline. Not counted in ClinVar's aggregate classification.
Comment: This variant has been reported as associated with Long QT syndrome in the following publications (PMID:12442276;PMID:14527360;PMID:15192825;PMID:15924777). This is a literature report, and does not necessarily reflect the clinical interpretation of the Imperial College / Royal Brompton Cardiovascular Genetics laboratory.

Literature cited by the submitters: PubMed 12442276 (cited by Ambry Genetics and Cardiovascular Biomedical Research Unit, Royal Brompton & Harefield NHS Foundation Trust); PubMed 14527360 (cited by Cardiovascular Biomedical Research Unit, Royal Brompton & Harefield NHS Foundation Trust); PubMed 15192825 (cited by Cardiovascular Biomedical Research Unit, Royal Brompton & Harefield NHS Foundation Trust); PubMed 15924777 (cited by Cardiovascular Biomedical Research Unit, Royal Brompton & Harefield NHS Foundation Trust); PubMed 22581653 (cited by Cardiovascular Biomedical Research Unit, Royal Brompton & Harefield NHS Foundation Trust).

NM_000218.3(KCNQ1):c.917G>T (p.Gly306Val)

Gene: KCNQ1 (potassium voltage-gated channel subfamily Q member 1; plus strand). Cytogenetic location: 11p15.5.
Variant type: single nucleotide variant.
Coding change: c.917G>T on transcript NM_000218.3 (MANE Select); coding-DNA position 917, G replaced by T.
Protein change: p.Gly306Val; replaces glycine 306 with valine.
Molecular consequence: missense variant.
Genome position (GRCh38, 1-based): chr11:2,572,982, G>T. VCF-style: chr11-2572982-G-T. GRCh37 (hg19) VCF-style: chr11-2594212-G-T.
Other names: c.917G>T (LRG_287t1); c.917G>T, p.Gly306Val (NM_001406836.1); c.647G>T, p.Gly216Val (NM_001406837.1); c.536G>T, p.Gly179Val (NM_181798.2); short protein forms G306V, G179V, G216V.
Identifiers: ClinVar variation 53125 (VCV000053125.4), dbSNP rs199472742, ClinGen allele CA008647.